The following is an entry in ClinVar:

NM_014845.6(FIG4):c.548G>A (p.Arg183Gln)

Gene: FIG4 (FIG4 phosphoinositide 5-phosphatase; plus strand). Cytogenetic location: 6q21.
Variant type: single nucleotide variant.
Coding change: c.548G>A on transcript NM_014845.6 (MANE Select); coding-DNA position 548, G replaced by A.
Protein change: p.Arg183Gln; replaces arginine 183 with glutamine.
Molecular consequence: missense variant.
Genome position (GRCh38, 1-based): chr6:109,735,200, G>A. VCF-style: chr6-109735200-G-A. GRCh37 (hg19) VCF-style: chr6-110056403-G-A.
Other names: short protein forms R183Q.
Identifiers: ClinVar variation 624263 (VCV000624263.51), dbSNP rs781588508, ClinGen allele CA3955835.

ClinVar aggregate classification (germline): Uncertain significance. Review status: criteria provided, multiple submitters, no conflicts (2 of 4 stars). 4 submissions from 4 submitters: Uncertain significance (4). Last evaluated 2026-08-01.

Conditions:
Inborn genetic diseases. Identifiers: MedGen C0950123, MeSH D030342.
Charcot-Marie-Tooth disease type 4. Also called: Charcot-Marie-Tooth, Type 4; Charcot-Marie-Tooth disease, type IV. Identifiers: Orphanet 64749, MedGen C4082197, MONDO:0018995.

Allele frequency attached by ClinVar (database versions not stated): gnomAD 0.00001; TOPMed 0.00002.
gnomAD v4.1: 49 of 1,612,594 alleles (0.003%); highest among the groups gnomAD compares: South Asian, 0.0055%; no homozygotes.

Submissions (4):

CeGaT Center for Human Genetics Tuebingen
Classification: Uncertain significance. Last evaluated: 2026-08-01. Review status: criteria provided, single submitter. Criteria: CeGaT Center For Human Genetics Tuebingen Variant Classification Criteria Version 2. Collection method: clinical testing. Allele origin: germline. Affected: yes. Observed: 2 variant alleles.
Comment: FIG4: PM2, BP4

GeneDx
Classification: Uncertain significance. Last evaluated: 2026-01-21. Review status: criteria provided, single submitter. Criteria: GeneDx Variant Classification Process June 2021. Collection method: clinical testing. Allele origin: germline. Affected: yes.
Comment: Not observed at significant frequency in large population cohorts (gnomAD); In silico analysis suggests that this missense variant does not alter protein structure/function; Has not been previously published as pathogenic or benign to our knowledge; This variant is associated with the following publications: (PMID: 24598713)

Labcorp Genetics (formerly Invitae), Labcorp
Classification: Uncertain significance for Charcot-Marie-Tooth disease type 4. Last evaluated: 2022-06-28. Review status: criteria provided, single submitter. Criteria: Invitae Variant Classification Sherloc (09022015). Collection method: clinical testing. Allele origin: germline.
Comment: This sequence change replaces arginine, which is basic and polar, with glutamine, which is neutral and polar, at codon 183 of the FIG4 protein (p.Arg183Gln). This variant is present in population databases (rs781588508, gnomAD 0.006%). This variant has not been reported in the literature in individuals affected with FIG4-related conditions. ClinVar contains an entry for this variant (Variation ID: 624263). Algorithms developed to predict the effect of missense changes on protein structure and function (SIFT, PolyPhen-2, Align-GVGD) all suggest that this variant is likely to be tolerated. In summary, the available evidence is currently insufficient to determine the role of this variant in disease. Therefore, it has been classified as a Variant of Uncertain Significance.

Ambry Genetics
Classification: Uncertain significance for Inborn genetic diseases. Last evaluated: 2021-09-20. Review status: criteria provided, single submitter. Criteria: Ambry Variant Classification Scheme 2023. Collection method: clinical testing. Allele origin: germline.
Comment: The p.R183Q variant (also known as c.548G>A), located in coding exon 6 of the FIG4 gene, results from a G to A substitution at nucleotide position 548. The arginine at codon 183 is replaced by glutamine, an amino acid with highly similar properties. This amino acid position is conserved. In addition, this alteration is predicted to be tolerated by in silico analysis. Since supporting evidence is limited at this time, the clinical significance of this alteration remains unclear.